The following is an entry in ClinVar:

ClinVar aggregate classification (germline): Uncertain significance (1 of 4 stars; one submission).

Submission:

Labcorp Genetics (formerly Invitae), Labcorp
Classification: Uncertain significance. Last evaluated: 2025-01-06. Review status: criteria provided, single submitter. Criteria: Invitae Variant Classification Sherloc (09022015). Collection method: clinical testing. Allele origin: germline.
Comment: This sequence change creates a premature translational stop signal (p.Asp17Glyfs*55) in the MAD2L2 gene. It is expected to result in an absent or disrupted protein product. However, the current clinical and genetic evidence is not sufficient to establish whether loss-of-function variants in MAD2L2 cause disease. This variant is present in population databases (no rsID available, gnomAD 0.007%). This variant has not been reported in the literature in individuals affected with MAD2L2-related conditions. In summary, the available evidence is currently insufficient to determine the role of this variant in disease. Therefore, it has been classified as a Variant of Uncertain Significance.

NM_006341.4(MAD2L2):c.50_72del (p.Asp17fs)

Gene: MAD2L2 (mitotic arrest deficient 2 like 2; minus strand). Cytogenetic location: 1p36.22.
Variant type: Deletion.
Coding change: c.50_72del on transcript NM_006341.4 (MANE Select); coding-DNA positions 50 to 72, 23 bases deleted (ATGTGCTCTGCGAGTTCCTGGAG).
Protein change: p.Asp17fs; shifts the reading frame from aspartic acid 17.
Molecular consequence: frameshift variant.
Genome position (GRCh38, 1-based): chr1:11,680,440-11,680,462, CTCCAGGAACTCGCAGAGCACAT deleted on the plus strand (ATGTGCTCTGCGAGTTCCTGGAG on the coding strand, the reverse complement: MAD2L2 is on the minus strand); deleting any 23 consecutive bases within chr1:11,680,440-11,680,463 gives the same sequence; the c. name uses the placement nearest the transcript's 3' end. VCF-style (leftmost placement, unchanged base first): chr1-11680439-CCTCCAGGAACTCGCAGAGCACAT-C. GRCh37 (hg19) VCF-style: chr1-11740496-CCTCCAGGAACTCGCAGAGCACAT-C.
Other names: c.50_72del, p.Asp17fs (NM_001127325.2); short protein forms D17fs.
Identifiers: ClinVar variation 3631675 (VCV003631675.2).
Genomic context (GRCh38, chr1:11,680,439, plus strand): 5'-GTTTCTGGAAGATGCCCACGGGGTAGACCTCGCGCACGTAGAGGATGAGATGCACAGCCA[CCTCCAGGAACTCGCAGAGCACAT>C]CGGCCACCACTGCAGGGGGGCACAAGCCGGTGGCGCGCTCGAGGAAGCCCGCCGGCCCAG-3'